The following is an entry in ClinVar:

NM_031935.3(HMCN1):c.6316A>G (p.Ile2106Val)

Gene: HMCN1 (hemicentin 1; plus strand). Cytogenetic location: 1q31.1.
Variant type: single nucleotide variant.
Coding change: c.6316A>G on transcript NM_031935.3 (MANE Select); coding-DNA position 6316, A replaced by G.
Protein change: p.Ile2106Val; replaces isoleucine 2106 with valine.
Molecular consequence: missense variant.
Genome position (GRCh38, 1-based): chr1:186,045,699, A>G. VCF-style: chr1-186045699-A-G. GRCh37 (hg19) VCF-style: chr1-186014831-A-G.
Other names: short protein forms I2106V.
Identifiers: ClinVar variation 2966706 (VCV002966706.3), dbSNP rs149970975, ClinGen allele CA1292546.

ClinVar aggregate classification (germline): Uncertain significance (1 of 4 stars; one submission).

Allele frequency attached by ClinVar (database versions not stated): TOPMed 0.00004; ExAC 0.00001; gnomAD 0.00002; ESP Exome Variant Server 0.00008.
gnomAD v4.1: 12 of 1,613,232 alleles (0.00074%); highest among the groups gnomAD compares: South Asian, 0.0066%; no homozygotes.

Submission:

Labcorp Genetics (formerly Invitae), Labcorp
Classification: Uncertain significance. Last evaluated: 2025-09-09. Review status: criteria provided, single submitter. Criteria: Invitae Variant Classification Sherloc (09022015). Collection method: clinical testing. Allele origin: germline.
Comment: This sequence change replaces isoleucine, which is neutral and non-polar, with valine, which is neutral and non-polar, at codon 2106 of the HMCN1 protein (p.Ile2106Val). This variant is present in population databases (rs149970975, gnomAD 0.008%). This variant has not been reported in the literature in individuals affected with HMCN1-related conditions. ClinVar contains an entry for this variant (Variation ID: 2966706). An algorithm developed to predict the effect of missense changes on protein structure and function (PolyPhen-2) suggests that this variant is likely to be disruptive. In summary, the available evidence is currently insufficient to determine the role of this variant in disease. Therefore, it has been classified as a Variant of Uncertain Significance.